The following is an entry in ClinVar:

ClinVar aggregate classification (germline): Uncertain significance (1 of 4 stars; one submission).

Conditions:
Marfan syndrome (MFS). Also called: MARFAN SYNDROME, TYPE I; Marfan syndrome type 1; Marfan's syndrome; Marfan syndrome, classic; FBN1-Related Marfan Syndrome. Identifiers: Orphanet 284963, Orphanet 558, MedGen C0024796, MONDO:0007947, OMIM 154700.
Familial thoracic aortic aneurysm and aortic dissection (TAAD). Also called: Thoracic aortic aneurysms and dissections. Identifiers: Orphanet 91387, MedGen C4707243, MONDO:0019625.

Allele frequency attached by ClinVar (database versions not stated): gnomAD exomes below 0.00001.
gnomAD v4.1: 1 of 1,614,142 alleles (0.000062%); highest among the groups gnomAD compares: Non-Finnish European, 0.000085%; no homozygotes.

Submission:

Labcorp Genetics (formerly Invitae), Labcorp
Classification: Uncertain significance for Marfan syndrome; Familial thoracic aortic aneurysm and aortic dissection. Last evaluated: 2023-10-13. Review status: criteria provided, single submitter. Criteria: Invitae Variant Classification Sherloc (09022015). Collection method: clinical testing. Allele origin: germline.
Comment: This sequence change replaces threonine, which is neutral and polar, with alanine, which is neutral and non-polar, at codon 852 of the FBN1 protein (p.Thr852Ala). This variant is not present in population databases (gnomAD no frequency). This variant has not been reported in the literature in individuals affected with FBN1-related conditions. ClinVar contains an entry for this variant (Variation ID: 1448241). Advanced modeling of protein sequence and biophysical properties (such as structural, functional, and spatial information, amino acid conservation, physicochemical variation, residue mobility, and thermodynamic stability) has been performed at Invitae for this missense variant, however the output from this modeling did not meet the statistical confidence thresholds required to predict the impact of this variant on FBN1 protein function. In summary, the available evidence is currently insufficient to determine the role of this variant in disease. Therefore, it has been classified as a Variant of Uncertain Significance.

NM_000138.5(FBN1):c.2554A>G (p.Thr852Ala)

Gene: FBN1 (fibrillin 1; minus strand). Cytogenetic location: 15q21.1.
Variant type: single nucleotide variant.
Coding change: c.2554A>G on transcript NM_000138.5 (MANE Select); coding-DNA position 2554, A replaced by G.
Protein change: p.Thr852Ala; replaces threonine 852 with alanine.
Molecular consequence: missense variant.
Genome position (GRCh38, 1-based): chr15:48,495,246, T>C on the plus strand (A>G on the coding strand, the complement: FBN1 is on the minus strand). VCF-style: chr15-48495246-T-C. GRCh37 (hg19) VCF-style: chr15-48787443-T-C.
Other names: short protein forms T852A.
Identifiers: ClinVar variation 1448241 (VCV001448241.8), dbSNP rs2141303822, ClinGen allele CA392332897.